The following is an entry in ClinVar:

ClinVar aggregate classification (germline): Likely benign. Review status: criteria provided, multiple submitters, no conflicts (2 of 4 stars). 4 submissions from 4 submitters: Likely benign (4). Last evaluated 2026-01-25.

Conditions:
Ehlers-Danlos syndrome, type 4 (EDSVASC). Also called: Ehlers-Danlos Syndrome Type IV; Ehlers-Danlos syndrome vascular type; Ehlers Danlos syndrome, ecchymotic type; Ehlers Danlos syndrome, arterial type; Ehlers Danlos syndrome, Sack-Barabas type. Identifiers: Orphanet 286, MedGen C0268338, MONDO:0017314, OMIM 130050.
Familial thoracic aortic aneurysm and aortic dissection (TAAD). Also called: Thoracic aortic aneurysms and dissections. Identifiers: Orphanet 91387, MedGen C4707243, MONDO:0019625.

Allele frequency attached by ClinVar (database versions not stated): gnomAD exomes below 0.00001; gnomAD 0.00001; TOPMed 0.00001.
gnomAD v4.1: 6 of 1,614,042 alleles (0.00037%); highest among the groups gnomAD compares: African/African-American, 0.0013%; no homozygotes.

Submissions (4):

Labcorp Genetics (formerly Invitae), Labcorp
Classification: Likely benign for Ehlers-Danlos syndrome, type 4. Last evaluated: 2026-01-25. Review status: criteria provided, single submitter. Criteria: Invitae Variant Classification Sherloc (09022015). Collection method: clinical testing. Allele origin: germline.

All of Us Research Program, National Institutes of Health
Classification: Likely benign for Ehlers-Danlos syndrome, type 4. Last evaluated: 2023-07-10. Review status: criteria provided, single submitter. Criteria: ACMG Guidelines, 2015. Collection method: clinical testing. Allele origin: germline. Inheritance: Autosomal dominant inheritance. Observed: 2 variant alleles, 2 heterozygotes.
Comment: This study involves interpretation of variants in research participants for the purpose of population health screening. Participant phenotype was not available at the time of variant classification. Additional details can be found in publication PMID: 35346344, PMCID: PMC8962531

Ambry Genetics
Classification: Likely benign for Familial thoracic aortic aneurysm and aortic dissection. Last evaluated: 2022-09-02. Review status: criteria provided, single submitter. Criteria: Ambry Variant Classification Scheme 2023. Collection method: clinical testing. Allele origin: germline.

Color Diagnostics, LLC DBA Color Health
Classification: Likely benign for Familial thoracic aortic aneurysm and aortic dissection. Last evaluated: 2020-01-09. Review status: criteria provided, single submitter. Criteria: ACMG Guidelines, 2015. Collection method: clinical testing. Allele origin: germline.

NM_000090.4(COL3A1):c.3852A>G (p.Gly1284=)

Gene: COL3A1 (collagen type III alpha 1 chain; plus strand). Cytogenetic location: 2q32.2.
Variant type: single nucleotide variant.
Coding change: c.3852A>G on transcript NM_000090.4 (MANE Select); coding-DNA position 3852, A replaced by G.
Protein change: p.Gly1284=; no amino-acid change (glycine 1284 retained).
Molecular consequence: synonymous variant.
Genome position (GRCh38, 1-based): chr2:189,010,206, A>G. VCF-style: chr2-189010206-A-G. GRCh37 (hg19) VCF-style: chr2-189874932-A-G.
Identifiers: ClinVar variation 922574 (VCV000922574.8), dbSNP rs1332063006, ClinGen allele CA430313909.